The following is an entry in ClinVar:

ClinVar aggregate classification (germline): Uncertain significance (1 of 4 stars; one submission).

Conditions:
Inborn genetic diseases. Identifiers: MedGen C0950123, MeSH D030342.

Submission:

Ambry Genetics
Classification: Uncertain significance for Inborn genetic diseases. Last evaluated: 2021-08-22. Review status: criteria provided, single submitter. Criteria: Ambry Variant Classification Scheme 2023. Collection method: clinical testing. Allele origin: germline.
Comment: The p.V617M variant (also known as c.1849G>A), located in coding exon 13 of the LTBP3 gene, results from a G to A substitution at nucleotide position 1849. The valine at codon 617 is replaced by methionine, an amino acid with highly similar properties. This amino acid position is conserved. In addition, the in silico prediction for this alteration is inconclusive. Since supporting evidence is limited at this time, the clinical significance of this alteration remains unclear.

NM_001130144.3(LTBP3):c.1849G>A (p.Val617Met)

Gene: LTBP3 (latent transforming growth factor beta binding protein 3; minus strand). Cytogenetic location: 11q13.1.
Variant type: single nucleotide variant.
Coding change: c.1849G>A on transcript NM_001130144.3 (MANE Select); coding-DNA position 1849, G replaced by A.
Protein change: p.Val617Met; replaces valine 617 with methionine.
Molecular consequence: missense variant.
Genome position (GRCh38, 1-based): chr11:65,547,819, C>T on the plus strand (G>A on the coding strand, the complement: LTBP3 is on the minus strand). VCF-style: chr11-65547819-C-T. GRCh37 (hg19) VCF-style: chr11-65315290-C-T.
Other names: c.1498G>A, p.Val500Met (NM_001164266.1); c.1849G>A, p.Val617Met (NM_021070.4); short protein forms V500M, V617M.
Identifiers: ClinVar variation 1781292 (VCV001781292.2), dbSNP rs2496154703, ClinGen allele CA381271692.